The following is an entry in ClinVar:

NM_000135.4(FANCA):c.202C>G (p.Leu68Val)

Gene: FANCA (FA complementation group A; minus strand). Cytogenetic location: 16q24.3.
Variant type: single nucleotide variant.
Coding change: c.202C>G on transcript NM_000135.4 (MANE Select); coding-DNA position 202, C replaced by G.
Protein change: p.Leu68Val; replaces leucine 68 with valine.
Molecular consequence: missense variant.
Genome position (GRCh38, 1-based): chr16:89,814,601, G>C on the plus strand (C>G on the coding strand, the complement: FANCA is on the minus strand). VCF-style: chr16-89814601-G-C. GRCh37 (hg19) VCF-style: chr16-89881009-G-C.
Other names: c.202C>G, p.Leu68Val (NM_001018112.3, NM_001286167.3, NM_001351830.2); short protein forms L68V.
Identifiers: ClinVar variation 3512667 (VCV003512667.1).

ClinVar aggregate classification (germline): Uncertain significance (1 of 4 stars; one submission).

Conditions:
Inborn genetic diseases. Identifiers: MedGen C0950123, MeSH D030342.

Submission:

Ambry Genetics
Classification: Uncertain significance for Inborn genetic diseases. Last evaluated: 2024-11-24. Review status: criteria provided, single submitter. Criteria: Ambry Variant Classification Scheme 2023. Collection method: clinical testing. Allele origin: germline.
Comment: The p.L68V variant (also known as c.202C>G), located in coding exon 3 of the FANCA gene, results from a C to G substitution at nucleotide position 202. The leucine at codon 68 is replaced by valine, an amino acid with highly similar properties. This amino acid position is conserved. In addition, this alteration is predicted to be tolerated by in silico analysis. Based on the available evidence, the clinical significance of this variant remains unclear.